The following is an entry in ClinVar:

ClinVar aggregate classification (germline): Uncertain significance. Review status: criteria provided, multiple submitters, no conflicts (2 of 4 stars). 2 submissions from 2 submitters: Uncertain significance (2). Last evaluated 2025-04-17.

Allele frequency attached by ClinVar (database versions not stated): gnomAD exomes 0.00001.
gnomAD v4.1: 6 of 1,237,448 alleles (0.00048%); highest among the groups gnomAD compares: Non-Finnish European, 0.0006%; no homozygotes.

Submissions (2):

Women's Health and Genetics/Laboratory Corporation of America, LabCorp
Classification: Uncertain significance. Last evaluated: 2025-04-17. Review status: criteria provided, single submitter. Criteria: LabCorp Variant Classification Summary - May 2015. Collection method: clinical testing. Allele origin: germline.
Comment: Variant summary: KCNQ5 c.41C>T (p.Ala14Val) results in a non-conservative amino acid change in the encoded protein sequence. Four of five in-silico tools predict a damaging effect of the variant on protein function. The variant was absent in 31164 control chromosomes. The available data on variant occurrences in the general population are insufficient to allow any conclusion about variant significance. To our knowledge, no occurrence of c.41C>T in individuals affected with Intellectual Disability, Autosomal Dominant 46 and no experimental evidence demonstrating its impact on protein function have been reported. ClinVar contains an entry for this variant (Variation ID: 1506060). Based on the evidence outlined above, the variant was classified as uncertain significance.

Labcorp Genetics (formerly Invitae), Labcorp
Classification: Uncertain significance. Last evaluated: 2021-05-16. Review status: criteria provided, single submitter. Criteria: Invitae Variant Classification Sherloc (09022015). Collection method: clinical testing. Allele origin: germline.
Comment: This variant has not been reported in the literature in individuals with KCNQ5-related conditions. The frequency data for this variant in the population databases is considered unreliable, as metrics indicate insufficient coverage at this position in the ExAC database. In summary, the available evidence is currently insufficient to determine the role of this variant in disease. Therefore, it has been classified as a Variant of Uncertain Significance. Advanced modeling of protein sequence and biophysical properties (such as structural, functional, and spatial information, amino acid conservation, physicochemical variation, residue mobility, and thermodynamic stability) performed at Invitae indicates that this missense variant is not expected to disrupt KCNQ5 protein function. This sequence change replaces alanine with valine at codon 14 of the KCNQ5 protein (p.Ala14Val). The alanine residue is weakly conserved and there is a small physicochemical difference between alanine and valine.

NM_019842.4(KCNQ5):c.41C>T (p.Ala14Val)

Genes: KCNQ5 (potassium voltage-gated channel subfamily Q member 5; plus strand), KCNQ5-DT (KCNQ5 divergent transcript; minus strand), LOC129996711 (ATAC-STARR-seq lymphoblastoid silent region 17329; plus strand). Cytogenetic location: 6q13.
Variant type: single nucleotide variant.
Coding change: c.41C>T on transcript NM_019842.4 (MANE Select); coding-DNA position 41, C replaced by T.
Protein change: p.Ala14Val; replaces alanine 14 with valine.
Molecular consequence: missense variant.
Genome position (GRCh38, 1-based): chr6:72,622,230, C>T. VCF-style: chr6-72622230-C-T. GRCh37 (hg19) VCF-style: chr6-73331958-C-T.
Other names: c.41C>T, p.Ala14Val (NM_001160130.2, NM_001160132.2, NM_001160133.2 and 1 more transcripts); short protein forms A14V.
Identifiers: ClinVar variation 1506060 (VCV001506060.10), dbSNP rs2098915518, ClinGen allele CA364824029.
Genomic context (GRCh38, chr6:72,622,230, plus strand): 5'-GCGGTGCCCGTGGTGATGCCATGCCCCGCCACCACGCGGGAGGAGAGGAGGGCGGCGCCG[C>T]CGGGCTCTGGGTGAAGAGCGGCGCAGCGGCGGCGGCGGCGGGCGGGGGGCGCTTGGGCAG-3'
Protein context (NP_062816.2, residues 4-24): HHAGGEEGGA[Ala14Val]GLWVKSGAAA